The following is an entry in ClinVar:

NM_182746.3(MCM4):c.1090G>A (p.Gly364Arg)

Gene: MCM4 (minichromosome maintenance complex component 4; plus strand). Cytogenetic location: 8q11.21.
Variant type: single nucleotide variant.
Coding change: c.1090G>A on transcript NM_182746.3 (MANE Select); coding-DNA position 1090, G replaced by A.
Protein change: p.Gly364Arg; replaces glycine 364 with arginine.
Molecular consequence: missense variant.
Genome position (GRCh38, 1-based): chr8:47,967,401, G>A. VCF-style: chr8-47967401-G-A. GRCh37 (hg19) VCF-style: chr8-48879961-G-A.
Other names: c.1090G>A, p.Gly364Arg (NM_005914.4); short protein forms G364R.
Identifiers: ClinVar variation 1514128 (VCV001514128.8), dbSNP rs2154505193, ClinGen allele CA371149912.
Genomic context (GRCh38, chr8:47,967,401, plus strand): 5'-TGTTCTCTGTTTGCTGACCTTCAGATCAAGCTTCAGGAGTCTCCGGAAGACATGCCTGCA[G>A]GGCAGACACCACACACAGTTATCCTGTTTGCTCACAATGATCTCGTTGACAAGGTCCAGC-3'
Protein context (NP_877423.1, residues 354-374): LQESPEDMPA[Gly364Arg]QTPHTVILFA

ClinVar aggregate classification (germline): Uncertain significance (1 of 4 stars; one submission).

gnomAD v4.1: 1 of 1,614,198 alleles (0.000062%); highest among the groups gnomAD compares: Non-Finnish European, 0.000085%; no homozygotes.

Submission:

Labcorp Genetics (formerly Invitae), Labcorp
Classification: Uncertain significance. Last evaluated: 2021-01-02. Review status: criteria provided, single submitter. Criteria: Invitae Variant Classification Sherloc (09022015). Collection method: clinical testing. Allele origin: germline.
Comment: In summary, the available evidence is currently insufficient to determine the role of this variant in disease. Therefore, it has been classified as a Variant of Uncertain Significance. Experimental studies have shown that this variant affects MCM4 protein function (PMID: 25661590). This variant has not been reported in the literature in individuals with MCM4-related conditions. This variant is not present in population databases (ExAC no frequency). This sequence change replaces glycine with arginine at codon 364 of the MCM4 protein (p.Gly364Arg). The glycine residue is highly conserved and there is a moderate physicochemical difference between glycine and arginine.

Literature cited by the submitters: PubMed 25661590.